The following is an entry in ClinVar:

NM_001358351.3(SEMA6D):c.1433G>A (p.Ser478Asn)

Gene: SEMA6D (semaphorin 6D; plus strand). Cytogenetic location: 15q21.1.
Variant type: single nucleotide variant.
Coding change: c.1433G>A on transcript NM_001358351.3 (MANE Select); coding-DNA position 1433, G replaced by A.
Protein change: p.Ser478Asn; replaces serine 478 with asparagine.
Molecular consequence: missense variant.
Genome position (GRCh38, 1-based): chr15:47,765,874, G>A. VCF-style: chr15-47765874-G-A. GRCh37 (hg19) VCF-style: chr15-48058071-G-A.
Other names: c.1433G>A, p.Ser478Asn (NM_001198999.2, NM_001358352.2, NM_020858.2 and 4 more transcripts); short protein forms S478N.
Identifiers: ClinVar variation 3060165 (VCV003060165.2), dbSNP rs532598, ClinGen allele CA7545296.

ClinVar aggregate classification (germline): Benign (0 of 4 stars; one submission).

Conditions:
SEMA6D-related disorder. Also called: SEMA6D-related condition.

Allele frequency attached by ClinVar (database versions not stated): gnomAD exomes 0.35112; ExAC 0.39693; ESP Exome Variant Server 0.41994; gnomAD 0.43491; TOPMed 0.43648; 1000 Genomes Project 30x 0.46424; 1000 Genomes Project 0.46565.
gnomAD v4.1: 544,116 of 1,510,420 alleles (36%); highest among the groups gnomAD compares: East Asian, 60%; 102,674 homozygotes.

Submission:

PreventionGenetics, part of Exact Sciences
Classification: Benign for SEMA6D-related condition. Last evaluated: 2019-10-16. Review status: no assertion criteria provided. Collection method: clinical testing. Allele origin: germline.
Comment: This variant is classified as benign based on ACMG/AMP sequence variant interpretation guidelines (Richards et al. 2015 PMID: 25741868, with internal and published modifications).